The following is an entry in ClinVar:

ClinVar aggregate classification (germline): Uncertain significance (1 of 4 stars; one submission).

Conditions:
Familial melanoma. Also called: Hereditary melanoma; Hereditary cutaneous melanoma. Identifiers: Orphanet 618, MedGen C1512419, MONDO:0018961.

Submission:

Labcorp Genetics (formerly Invitae), Labcorp
Classification: Uncertain significance for Familial melanoma. Last evaluated: 2023-09-25. Review status: criteria provided, single submitter. Criteria: Invitae Variant Classification Sherloc (09022015). Collection method: clinical testing. Allele origin: germline.
Comment: This sequence change replaces lysine, which is basic and polar, with asparagine, which is neutral and polar, at codon 106 of the CDK4 protein (p.Lys106Asn). This variant is not present in population databases (gnomAD no frequency). This variant has not been reported in the literature in individuals affected with CDK4-related conditions. Advanced modeling of protein sequence and biophysical properties (such as structural, functional, and spatial information, amino acid conservation, physicochemical variation, residue mobility, and thermodynamic stability) performed at Invitae indicates that this missense variant is not expected to disrupt CDK4 protein function. In summary, the available evidence is currently insufficient to determine the role of this variant in disease. Therefore, it has been classified as a Variant of Uncertain Significance.

NM_000075.4(CDK4):c.318G>T (p.Lys106Asn)

Gene: CDK4 (cyclin dependent kinase 4; minus strand). Cytogenetic location: 12q14.1.
Variant type: single nucleotide variant.
Coding change: c.318G>T on transcript NM_000075.4 (MANE Select); coding-DNA position 318, G replaced by T.
Protein change: p.Lys106Asn; replaces lysine 106 with asparagine.
Molecular consequence: missense variant.
Genome position (GRCh38, 1-based): chr12:57,751,243, C>A on the plus strand (G>T on the coding strand, the complement: CDK4 is on the minus strand). VCF-style: chr12-57751243-C-A. GRCh37 (hg19) VCF-style: chr12-58145026-C-A.
Other names: short protein forms K106N.
Identifiers: ClinVar variation 2763183 (VCV002763183.3), dbSNP rs2140387295, ClinGen allele CA385547695.